The following is an entry in ClinVar:

ClinVar aggregate classification (germline): Uncertain significance (1 of 4 stars; one submission).

Submission:

GeneDx
Classification: Uncertain significance. Last evaluated: 2022-06-08. Review status: criteria provided, single submitter. Criteria: GeneDx Variant Classification Process June 2021. Collection method: clinical testing. Allele origin: germline. Affected: yes.
Comment: In silico analysis supports that this missense variant has a deleterious effect on protein structure/function; Not observed at significant frequency in large population cohorts (gnomAD); Has not been previously published as pathogenic or benign to our knowledge

NM_001194.4(HCN2):c.1291G>A (p.Gly431Ser)

Gene: HCN2 (hyperpolarization activated cyclic nucleotide gated potassium and sodium channel 2; plus strand). Cytogenetic location: 19p13.3.
Variant type: single nucleotide variant.
Coding change: c.1291G>A on transcript NM_001194.4 (MANE Select); coding-DNA position 1291, G replaced by A.
Protein change: p.Gly431Ser; replaces glycine 431 with serine.
Molecular consequence: missense variant.
Genome position (GRCh38, 1-based): chr19:608,036, G>A. VCF-style: chr19-608036-G-A. GRCh37 (hg19) VCF-style: chr19-608036-G-A.
Other names: short protein forms G431S.
Identifiers: ClinVar variation 1803354 (VCV001803354.1), dbSNP rs2512452762, ClinGen allele CA402877613.